The following is an entry in ClinVar:

NM_000350.3(ABCA4):c.4604dup (p.Thr1537fs)

Gene: ABCA4 (ATP binding cassette subfamily A member 4; minus strand). Cytogenetic location: 1p22.1.
Variant type: Duplication.
Coding change: c.4604dup on transcript NM_000350.3 (MANE Select); coding-DNA position 4604, one base duplicated (T; older notation c.4604dupT).
Protein change: p.Thr1537fs; shifts the reading frame from threonine 1537.
Molecular consequence: frameshift variant.
Genome position (GRCh38, 1-based): chr1:94,024,984, A duplicated on the plus strand (T on the coding strand, the reverse complement: ABCA4 is on the minus strand). VCF-style (leftmost placement, unchanged base first): chr1-94024983-T-TA. GRCh37 (hg19) VCF-style: chr1-94490539-T-TA.
Other names: NM_000350.3:c.4604dup; c.4382dup, p.Thr1463fs (NM_001425324.1); short protein forms T1463fs, T1537fs.
Identifiers: ClinVar variation 4879987 (VCV004879987.1).

ClinVar aggregate classification (germline): Pathogenic (3 of 4 stars; one submission).

Conditions:
ABCA4-related retinopathy. Also called: ABCA4-related retinoapthy; ABCA4 retinoapthy. Identifiers: MedGen CN322612, MONDO:0800406.

Submission:

ClinGen ABCA4 Variant Curation Expert Panel, Clingen
Classification: Pathogenic for ABCA4-related retinopathy. Last evaluated: 2026-06-23. Review status: reviewed by expert panel. Criteria: ClinGen ABCA4 ACMG Specifications V1.0.0. Collection method: curation. Allele origin: germline. Inheritance: Autosomal recessive inheritance.
Comment: The NM_000350.3:c.4604dup (p.Thr1537AsnfsTer18) variant in ABCA4 is a frameshift variant predicted to cause a premature stop codon in biologically relevant exon 31/50 leading to nonsense mediated decay in a gene in which loss-of-function is an established disease mechanism (PVS1). This variant is absent from gnomAD v4.1.0 (PM2_Supporting). This variant has been detected in at least 1 individual with ABCA4-related retinopathy, who was compound heterozygous for the variant and a pathogenic variant not confirmed in trans (0.5 point - c.4195G>T;p.Glu1399Ter - 236109)(PM3_Supporting; PMID:35410501). In summary, this variant meets the criteria to be classified as pathogenic for ABCA4-related retinopathy based on the ACMG/AMP criteria applied, as specified by the ClinGen ABCA4 VCEP (Specification Version 1.0): PVS1, PM2_Supporting, PM3_Supporting